The following is an entry in ClinVar:

NM_058216.3(RAD51C):c.404+5A>T

Gene: RAD51C (RAD51 paralog C; plus strand). Cytogenetic location: 17q22.
Variant type: single nucleotide variant.
Coding change: c.404+5A>T on transcript NM_058216.3 (MANE Select); 5 bases into the intron after coding-DNA position 404, A replaced by T.
Molecular consequence: intron variant. On other transcripts: 3 prime UTR variant (1), non-coding transcript variant (1).
Genome position (GRCh38, 1-based): chr17:58,695,194, A>T. VCF-style: chr17-58695194-A-T. GRCh37 (hg19) VCF-style: chr17-56772555-A-T.
Other names: c.*1A>T (NM_002876.4); c.404+5A>T (NM_058216.1).
Identifiers: ClinVar variation 2963489 (VCV002963489.4), dbSNP rs2509276573, ClinGen allele CA2740093811.
Genomic context (GRCh38, chr17:58,695,194, plus strand): 5'-TTAATGAAAACAACAGAAATTTGTGGTGCACCAGGTGTTGGAAAAACACAATTATGGTAA[A>T]ATAAAGTGTTCTCCTTTTAAGGGTGGGTTTAATAACATATTATGAAAGTAGTATTTTGTA-3'

ClinVar aggregate classification (germline): Conflicting classifications of pathogenicity. Review status: criteria provided, conflicting classifications (1 of 4 stars). 2 submissions from 2 submitters: Uncertain significance (1); Likely benign (1). Last evaluated 2025-02-18.

Conditions:
Fanconi anemia complementation group O. Also called: RAD51C-Related Fanconi Anemia. Identifiers: Orphanet 84, MedGen C3150653, MONDO:0013248, OMIM 613390.
Hereditary cancer-predisposing syndrome. Also called: Tumor predisposition; Hereditary Cancer Syndrome; Neoplastic Syndromes, Hereditary; Hereditary neoplastic syndrome. Identifiers: Orphanet 140162, MedGen C0027672, MeSH D009386, MONDO:0015356.

Submissions (2):

Ambry Genetics
Classification: Uncertain significance for Hereditary cancer-predisposing syndrome. Last evaluated: 2025-02-18. Review status: criteria provided, single submitter. Criteria: Ambry Variant Classification Scheme 2023. Collection method: clinical testing. Allele origin: germline.
Comment: The c.404+5A>T intronic variant results from an A to T substitution 5 nucleotides after coding exon 2 in the RAD51C gene. This nucleotide position is well conserved in available vertebrate species. In silico splice site analysis predicts that this alteration will not have any significant effect on splicing. Based on the available evidence, the clinical significance of this variant remains unclear.

Labcorp Genetics (formerly Invitae), Labcorp
Classification: Likely benign for Fanconi anemia complementation group O. Last evaluated: 2023-04-25. Review status: criteria provided, single submitter. Criteria: Invitae Variant Classification Sherloc (09022015). Collection method: clinical testing. Allele origin: germline.